The following is an entry in ClinVar:

NM_016247.4(IMPG2):c.2140G>C (p.Asp714His)

Gene: IMPG2 (interphotoreceptor matrix proteoglycan 2; minus strand). Cytogenetic location: 3q12.3.
Variant type: single nucleotide variant.
Coding change: c.2140G>C on transcript NM_016247.4 (MANE Select); coding-DNA position 2140, G replaced by C.
Protein change: p.Asp714His; replaces aspartic acid 714 with histidine.
Molecular consequence: missense variant.
Genome position (GRCh38, 1-based): chr3:101,244,191, C>G on the plus strand (G>C on the coding strand, the complement: IMPG2 is on the minus strand). VCF-style: chr3-101244191-C-G. GRCh37 (hg19) VCF-style: chr3-100963035-C-G.
Other names: short protein forms D714H.
Identifiers: ClinVar variation 1504075 (VCV001504075.6), dbSNP rs773118241, ClinGen allele CA353858606.

ClinVar aggregate classification (germline): Uncertain significance (1 of 4 stars; one submission).

Submission:

Labcorp Genetics (formerly Invitae), Labcorp
Classification: Uncertain significance. Last evaluated: 2024-02-23. Review status: criteria provided, single submitter. Criteria: Invitae Variant Classification Sherloc (09022015). Collection method: clinical testing. Allele origin: germline.
Comment: This sequence change replaces aspartic acid, which is acidic and polar, with histidine, which is basic and polar, at codon 714 of the IMPG2 protein (p.Asp714His). This variant is not present in population databases (gnomAD no frequency). This variant has not been reported in the literature in individuals affected with IMPG2-related conditions. ClinVar contains an entry for this variant (Variation ID: 1504075). Advanced modeling of protein sequence and biophysical properties (such as structural, functional, and spatial information, amino acid conservation, physicochemical variation, residue mobility, and thermodynamic stability) performed at Invitae indicates that this missense variant is not expected to disrupt IMPG2 protein function with a negative predictive value of 80%. In summary, the available evidence is currently insufficient to determine the role of this variant in disease. Therefore, it has been classified as a Variant of Uncertain Significance.